The following is an entry in ClinVar:

NM_001330078.2(NRXN1):c.772+1024C>A

Gene: NRXN1 (neurexin 1; minus strand). Cytogenetic location: 2p16.3.
Variant type: single nucleotide variant.
Coding change: c.772+1024C>A on transcript NM_001330078.2 (MANE Select); 1024 bases into the intron after coding-DNA position 772, C replaced by A.
Molecular consequence: intron variant.
Genome position (GRCh38, 1-based): chr2:51,026,478, G>T on the plus strand (C>A on the coding strand, the complement: NRXN1 is on the minus strand). VCF-style: chr2-51026478-G-T. GRCh37 (hg19) VCF-style: chr2-51253616-G-T.
Other names: c.772+1024C>A (NM_001330096.2, NM_001330087.2, NM_001330083.2 and 14 more transcripts); c.773-9C>A (NM_001135659.3).
Identifiers: ClinVar variation 4714733 (VCV004714733.1).

ClinVar aggregate classification (germline): Uncertain significance (1 of 4 stars; one submission).

Conditions:
Pitt-Hopkins-like syndrome 2 (PTHSL2). Identifiers: Orphanet 221150, Orphanet 600663, MedGen C3280479, MONDO:0013690, OMIM 614325.

Submission:

Labcorp Genetics (formerly Invitae), Labcorp
Classification: Uncertain significance for Pitt-Hopkins-like syndrome 2. Last evaluated: 2025-03-09. Review status: criteria provided, single submitter. Criteria: Invitae Variant Classification Sherloc (09022015). Collection method: clinical testing. Allele origin: germline.
Comment: This sequence change falls in intron 2 of the NRXN1 gene. It does not directly change the encoded amino acid sequence of the NRXN1 protein. This variant is not present in population databases (gnomAD no frequency). This variant has not been reported in the literature in individuals affected with NRXN1-related conditions. Algorithms developed to predict the effect of sequence changes on RNA splicing suggest that this variant may disrupt the consensus splice site. In summary, the available evidence is currently insufficient to determine the role of this variant in disease. Therefore, it has been classified as a Variant of Uncertain Significance.